The following is an entry in ClinVar:

NM_000222.3(KIT):c.348G>A (p.Lys116=)

Gene: KIT (KIT proto-oncogene, receptor tyrosine kinase; plus strand). Cytogenetic location: 4q12.
Variant type: single nucleotide variant.
Coding change: c.348G>A on transcript NM_000222.3 (MANE Select); coding-DNA position 348, G replaced by A.
Protein change: p.Lys116=; no amino-acid change (lysine 116 retained).
Molecular consequence: synonymous variant.
Genome position (GRCh38, 1-based): chr4:54,698,294, G>A. VCF-style: chr4-54698294-G-A. GRCh37 (hg19) VCF-style: chr4-55564460-G-A.
Other names: c.348G>A, p.Lys116= (NM_001093772.2, NM_001385284.1, NM_001385285.1 and 4 more transcripts).
Identifiers: ClinVar variation 1731924 (VCV001731924.6), dbSNP rs2109671777, ClinGen allele CA439408841.

ClinVar aggregate classification (germline): Benign/Likely benign. Review status: criteria provided, multiple submitters, no conflicts (2 of 4 stars). 3 submissions from 3 submitters: Benign (1); Likely benign (2). Last evaluated 2026-06-03.

Conditions:
Hereditary cancer-predisposing syndrome. Also called: Tumor predisposition; Neoplastic Syndromes, Hereditary; Hereditary Cancer Syndrome; Hereditary neoplastic syndrome. Identifiers: Orphanet 140162, MedGen C0027672, MeSH D009386, MONDO:0015356.
Gastrointestinal stromal tumor. Also called: Gastrointestinal stroma tumor; Gastrointestinal stromal tumor, somatic. Identifiers: Orphanet 44890, MedGen C0238198, MeSH D046152, MONDO:0011719, OMIM 606764, HP:0100723.

Submissions (3):

Myriad Genetics, Inc.
Classification: Benign for Gastrointestinal stromal tumor. Last evaluated: 2026-06-03. Review status: criteria provided, single submitter. Criteria: Myriad Autosomal Dominant, Autosomal Recessive and X-Linked Classification Criteria (2023). Collection method: clinical testing. Allele origin: unknown.
Comment: This variant is considered benign. This variant is a silent/synonymous amino acid change and it is not expected to impact splicing.

Labcorp Genetics (formerly Invitae), Labcorp
Classification: Likely benign for Gastrointestinal stromal tumor. Last evaluated: 2023-05-24. Review status: criteria provided, single submitter. Criteria: Invitae Variant Classification Sherloc (09022015). Collection method: clinical testing. Allele origin: germline.

Ambry Genetics
Classification: Likely benign for Hereditary cancer-predisposing syndrome. Last evaluated: 2021-10-27. Review status: criteria provided, single submitter. Criteria: Ambry Variant Classification Scheme 2023. Collection method: clinical testing. Allele origin: germline.